The following is an entry in ClinVar:

ClinVar aggregate classification (germline): Benign (1 of 4 stars; one submission).

Conditions:
Focal segmental glomerulosclerosis 2 (FSGS2). Identifiers: Orphanet 656, MedGen C1858915, MONDO:0011390, OMIM 603965.

Allele frequency attached by ClinVar (database versions not stated): gnomAD 0.00003 and 0.00006; TOPMed 0.00010; gnomAD exomes 0.00012; 1000 Genomes Project 0.00060.

Submission:

Illumina Laboratory Services, Illumina
Classification: Benign for Focal segmental glomerulosclerosis 2. Last evaluated: 2018-01-13. Review status: criteria provided, single submitter. Criteria: ICSL Variant Classification Criteria 13 December 2019. Collection method: clinical testing. Allele origin: germline.
Comment: This variant was observed in the ICSL laboratory as part of a predisposition screen in an ostensibly healthy population. It had not been previously curated by ICSL or reported in the Human Gene Mutation Database (HGMD: prior to June 1st, 2018), and was therefore a candidate for classification through an automated scoring system. Utilizing variant allele frequency, disease prevalence and penetrance estimates, and inheritance mode, an automated score was calculated to assess if this variant is too frequent to cause the disease. Based on the score and internal cut-off values, a variant classified as benign is not then subjected to further curation. The score for this variant resulted in a classification of benign for this disease.

NM_004621.6(TRPC6):c.*337G>A

Gene: TRPC6 (transient receptor potential cation channel subfamily C member 6; minus strand). Cytogenetic location: 11q22.1.
Variant type: single nucleotide variant.
Coding change: c.*337G>A on transcript NM_004621.6 (MANE Select); 337 bases downstream of the stop codon, G replaced by A.
Molecular consequence: 3 prime UTR variant.
Genome position (GRCh38, 1-based): chr11:101,452,618, C>T on the plus strand (G>A on the coding strand, the complement: TRPC6 is on the minus strand). VCF-style: chr11-101452618-C-T. GRCh37 (hg19) VCF-style: chr11-101323349-C-T.
Identifiers: ClinVar variation 301890 (VCV000301890.5), dbSNP rs144714163, ClinGen allele CA10636723.